The following is an entry in ClinVar:

ClinVar aggregate classification (germline): Conflicting classifications of pathogenicity. Review status: criteria provided, conflicting classifications (1 of 4 stars). 3 submissions from 3 submitters: Uncertain significance (1); Likely benign (2). Last evaluated 2026-01-17.

Conditions:
Cardiovascular phenotype. Identifiers: MedGen CN230736.
Familial hypobetalipoproteinemia 1. Also called: APOB-Related Familial Hypobetalipoproteinemia; Hypobetalipoproteinemia, normotriglyceridemic; Acanthocytosis with hypobetalipoproteinemia. Identifiers: MedGen C4551990, MONDO:0014252, OMIM 615558.
Hypercholesterolemia, autosomal dominant, type B (FHCL2). Also called: Familial Hypercholesterolemia Type B; APOLIPOPROTEIN B-100, FAMILIAL DEFECTIVE; APOLIPOPROTEIN B-100, FAMILIAL LIGAND-DEFECTIVE; HYPERCHOLESTEROLEMIA, FAMILIAL, DUE TO LIGAND-DEFECTIVE APOLIPOPROTEIN B; Familial hypercholesterolemia 2; Hyperlipoproteinemia Type IIb. Identifiers: MedGen C1704417, MONDO:0007751, OMIM 144010.

Allele frequency attached by ClinVar (database versions not stated): 1000 Genomes Project 30x 0.00031; 1000 Genomes Project 0.00040.

Submissions (3):

Labcorp Genetics (formerly Invitae), Labcorp
Classification: Likely benign for Familial hypobetalipoproteinemia 1; Hypercholesterolemia, autosomal dominant, type B. Last evaluated: 2026-01-17. Review status: criteria provided, single submitter. Criteria: Invitae Variant Classification Sherloc (09022015). Collection method: clinical testing. Allele origin: germline.

Ambry Genetics
Classification: Likely benign for Cardiovascular phenotype. Last evaluated: 2023-10-25. Review status: criteria provided, single submitter. Criteria: Ambry Variant Classification Scheme 2023. Collection method: clinical testing. Allele origin: germline.

Quest Diagnostics Nichols Institute San Juan Capistrano
Classification: Uncertain significance. Last evaluated: 2023-06-13. Review status: criteria provided, single submitter. Criteria: Quest Diagnostics criteria. Collection method: clinical testing. Allele origin: unknown.
Comment: To the best of our knowledge, this variant has not been reported in the published literature. The frequency of this variant in the general population, 0.00027 (5/18388 chromosomes (Genome Aggregation Database)), is uninformative in the assessment of its pathogenicity.. Analysis of this variant using bioinformatics tools for the prediction of the effect of amino acid changes on protein structure and function yielded predictions that this variant is benign. Additional analysis using software algorithms for the prediction of the effect of nucleotide changes on APOB mRNA splicing yielded predictions that this variant may result in the gain of a cryptic splice site without affecting the natural splice sites . Based on the available information, we are unable to determine the clinical significance of this variant.

NM_000384.3(APOB):c.1626G>T (p.Glu542Asp)

Gene: APOB (apolipoprotein B; minus strand). Cytogenetic location: 2p24.1.
Variant type: single nucleotide variant.
Coding change: c.1626G>T on transcript NM_000384.3 (MANE Select); coding-DNA position 1626, G replaced by T.
Protein change: p.Glu542Asp; replaces glutamic acid 542 with aspartic acid.
Molecular consequence: missense variant.
Genome position (GRCh38, 1-based): chr2:21,028,530, C>A on the plus strand (G>T on the coding strand, the complement: APOB is on the minus strand). VCF-style: chr2-21028530-C-A. GRCh37 (hg19) VCF-style: chr2-21251402-C-A.
Other names: short protein forms E542D.
Identifiers: ClinVar variation 2681873 (VCV002681873.5), dbSNP rs367788462, ClinGen allele CA054238.